The following is an entry in ClinVar:

NM_001353788.2(APBA2):c.300C>T (p.Tyr100=)

Gene: APBA2 (amyloid beta precursor protein binding family A member 2; plus strand). Cytogenetic location: 15q13.1.
Variant type: single nucleotide variant.
Coding change: c.300C>T on transcript NM_001353788.2 (MANE Select); coding-DNA position 300, C replaced by T.
Protein change: p.Tyr100=; no amino-acid change (tyrosine 100 retained).
Molecular consequence: synonymous variant.
Genome position (GRCh38, 1-based): chr15:29,054,184, C>T. VCF-style: chr15-29054184-C-T. GRCh37 (hg19) VCF-style: chr15-29346387-C-T.
Other names: c.300C>T, p.Tyr100= (NM_001130414.1, NM_001353789.2, NM_001353790.2 and 7 more transcripts).
Identifiers: ClinVar variation 3037368 (VCV003037368.3), dbSNP rs780969211, ClinGen allele CA7445070.
Genomic context (GRCh38, chr15:29,054,184, plus strand): 5'-CTCTGAGGAGGAGGACTATGACGAGGGCCTCCCTGAGGAGGAGGAGGGCATCACCTACTA[C>T]ATCCGCTACTGCCCTGAGGACGACAGCTACCTAGAGGGCATGGACTGCAACGGGGAGGAG-3'
Protein context (NP_001340717.1, residues 90-110): LPEEEEGITY[Tyr100=]IRYCPEDDSY

ClinVar aggregate classification (germline): Likely benign. Review status: criteria provided, single submitter (1 of 4 stars). 2 submissions from 2 submitters: Likely benign (1). 1 of the submissions does not count toward it.

Conditions:
APBA2-related disorder. Also called: APBA2-related condition.

Allele frequency attached by ClinVar (database versions not stated): gnomAD exomes 0.00012; ExAC 0.00013; TOPMed 0.00141; gnomAD 0.00147.
gnomAD v4.1: 399 of 1,614,102 alleles (0.025%); highest among the groups gnomAD compares: Admixed American, 0.64%; 8 homozygotes.

Submissions (2):

Breakthrough Genomics
Classification: Likely benign. Review status: criteria provided, single submitter. Criteria: ACMG Guidelines, 2015. Collection method: not provided. Allele origin: germline. Inheritance: Unknown mechanism. Affected: yes.

PreventionGenetics, part of Exact Sciences
Classification: Likely benign for APBA2-related condition. Last evaluated: 2019-05-03. Review status: no assertion criteria provided. Collection method: clinical testing. Allele origin: germline. Not counted in ClinVar's aggregate classification.
Comment: This variant is classified as likely benign based on ACMG/AMP sequence variant interpretation guidelines (Richards et al. 2015 PMID: 25741868, with internal and published modifications).